The following is an entry in ClinVar:

NM_000275.3(OCA2):c.2244+5G>A

Gene: OCA2 (OCA2 melanosomal transmembrane protein; minus strand). Cytogenetic location: 15q13.1.
Variant type: single nucleotide variant.
Coding change: c.2244+5G>A on transcript NM_000275.3 (MANE Select); 5 bases into the intron after coding-DNA position 2244, G replaced by A.
Molecular consequence: intron variant.
Genome position (GRCh38, 1-based): chr15:27,871,149, C>T on the plus strand (G>A on the coding strand, the complement: OCA2 is on the minus strand). VCF-style: chr15-27871149-C-T. GRCh37 (hg19) VCF-style: chr15-28116295-C-T.
Other names: c.2172+5G>A (NM_001300984.2).
Identifiers: ClinVar variation 2998677 (VCV002998677.4), dbSNP rs1464531416, ClinGen allele CA616704989.

ClinVar aggregate classification (germline): Uncertain significance. Review status: criteria provided, multiple submitters, no conflicts (2 of 4 stars). 2 submissions from 2 submitters: Uncertain significance (2). Last evaluated 2023-12-24.

Submissions (2):

Labcorp Genetics (formerly Invitae), Labcorp
Classification: Uncertain significance. Last evaluated: 2023-12-24. Review status: criteria provided, single submitter. Criteria: Invitae Variant Classification Sherloc (09022015). Collection method: clinical testing. Allele origin: germline.
Comment: This sequence change falls in intron 21 of the OCA2 gene. It does not directly change the encoded amino acid sequence of the OCA2 protein. It affects a nucleotide within the consensus splice site. This variant is not present in population databases (gnomAD no frequency). This variant has not been reported in the literature in individuals affected with OCA2-related conditions. Variants that disrupt the consensus splice site are a relatively common cause of aberrant splicing (PMID: 17576681, 9536098). Algorithms developed to predict the effect of sequence changes on RNA splicing suggest that this variant may disrupt the consensus splice site. In summary, the available evidence is currently insufficient to determine the role of this variant in disease. Therefore, it has been classified as a Variant of Uncertain Significance.

Blueprint Genetics
Classification: Uncertain significance. Last evaluated: 2022-08-02. Review status: criteria provided, single submitter. Criteria: ACMG Guidelines, 2015. Collection method: clinical testing. Allele origin: germline.

Literature cited by the submitters: PubMed 17576681 (cited by Labcorp Genetics (formerly Invitae), Labcorp); PubMed 9536098 (cited by Labcorp Genetics (formerly Invitae), Labcorp).